The following is an entry in ClinVar:

NM_000553.6(WRN):c.1439A>G (p.Glu480Gly)

Gene: WRN (WRN RecQ like helicase; plus strand). Cytogenetic location: 8p12.
Variant type: single nucleotide variant.
Coding change: c.1439A>G on transcript NM_000553.6 (MANE Select); coding-DNA position 1439, A replaced by G.
Protein change: p.Glu480Gly; replaces glutamic acid 480 with glycine.
Molecular consequence: missense variant.
Genome position (GRCh38, 1-based): chr8:31,087,783, A>G. VCF-style: chr8-31087783-A-G. GRCh37 (hg19) VCF-style: chr8-30945299-A-G.
Other names: short protein forms E480G.
Identifiers: ClinVar variation 1959834 (VCV001959834.5), dbSNP rs775240079, ClinGen allele CA370924218.

ClinVar aggregate classification (germline): Uncertain significance (1 of 4 stars; one submission).

Conditions:
Werner syndrome (WRN). Identifiers: Orphanet 902, MedGen C0043119, MONDO:0010196, OMIM 277700.

Submission:

Labcorp Genetics (formerly Invitae), Labcorp
Classification: Uncertain significance for Werner syndrome. Last evaluated: 2022-01-15. Review status: criteria provided, single submitter. Criteria: Invitae Variant Classification Sherloc (09022015). Collection method: clinical testing. Allele origin: germline.
Comment: Algorithms developed to predict the effect of missense changes on protein structure and function are either unavailable or do not agree on the potential impact of this missense change (SIFT: "Not Available"; PolyPhen-2: "Probably Damaging"; Align-GVGD: "Not Available"). In summary, the available evidence is currently insufficient to determine the role of this variant in disease. Therefore, it has been classified as a Variant of Uncertain Significance. This variant has not been reported in the literature in individuals affected with WRN-related conditions. This sequence change replaces glutamic acid, which is acidic and polar, with glycine, which is neutral and non-polar, at codon 480 of the WRN protein (p.Glu480Gly). This variant is not present in population databases (gnomAD no frequency).